The following is an entry in ClinVar:

NM_007078.3(LDB3):c.1979-310G>A

Gene: LDB3 (LIM domain binding 3; plus strand). Cytogenetic location: 10q23.2.
Variant type: single nucleotide variant.
Coding change: c.1979-310G>A on transcript NM_007078.3 (MANE Select); 310 bases into the intron before coding-DNA position 1979, G replaced by A.
Molecular consequence: intron variant.
Genome position (GRCh38, 1-based): chr10:86,725,827, G>A. VCF-style: chr10-86725827-G-A. GRCh37 (hg19) VCF-style: chr10-88485584-G-A.
Other names: c.1790-310G>A (NM_001368064.1, NM_001368065.1); c.1994-310G>A (NM_001171610.2); c.1838-310G>A (NM_001368066.1); c.1649-310G>A (NM_001080114.2).
Identifiers: ClinVar variation 672861 (VCV000672861.1), dbSNP rs114139889, ClinGen allele CA211213665.

ClinVar aggregate classification (germline): Likely benign (1 of 4 stars; one submission).

Allele frequency attached by ClinVar (database versions not stated): 1000 Genomes Project 30x 0.00468; 1000 Genomes Project 0.00539; gnomAD 0.00563 and 0.00611; TOPMed 0.00631.
gnomAD v4.1: 850 of 152,292 alleles (0.56%); highest among the groups gnomAD compares: African/African-American, 1.9%; 11 homozygotes.

Submission:

GeneDx
Classification: Likely benign. Last evaluated: 2018-06-14. Review status: criteria provided, single submitter. Criteria: GeneDx Variant Classification (06012015). Collection method: clinical testing. Allele origin: germline. Affected: yes.
Comment: This variant is considered likely benign or benign based on one or more of the following criteria: it is a conservative change, it occurs at a poorly conserved position in the protein, it is predicted to be benign by multiple in silico algorithms, and/or has population frequency not consistent with disease.